The following is an entry in ClinVar:

ClinVar aggregate classification (germline): Uncertain significance (1 of 4 stars; one submission).

Conditions:
Kufor-Rakeb syndrome (KRS). Also called: PARKINSON DISEASE 9, AUTOSOMAL RECESSIVE, JUVENILE-ONSET. Identifiers: Orphanet 306674, Orphanet 314632, MedGen C1847640, MONDO:0011706, OMIM 606693.
Autosomal recessive spastic paraplegia type 78. Identifiers: Orphanet 513436, MedGen C5567893, MONDO:0014975, OMIM 617225.

gnomAD v4.1: 9 of 1,614,098 alleles (0.00056%); highest among the groups gnomAD compares: East Asian, 0.02%; no homozygotes.

Submission:

Labcorp Genetics (formerly Invitae), Labcorp
Classification: Uncertain significance for Kufor-Rakeb syndrome; Autosomal recessive spastic paraplegia type 78. Last evaluated: 2020-09-21. Review status: criteria provided, single submitter. Criteria: Invitae Variant Classification Sherloc (09022015). Collection method: clinical testing. Allele origin: germline.
Comment: In summary, the available evidence is currently insufficient to determine the role of this variant in disease. Therefore, it has been classified as a Variant of Uncertain Significance. Advanced modeling of protein sequence and biophysical properties (such as structural, functional, and spatial information, amino acid conservation, physicochemical variation, residue mobility, and thermodynamic stability) performed at Invitae indicates that this missense variant is not expected to disrupt ATP13A2 protein function. This variant has not been reported in the literature in individuals with ATP13A2-related conditions. This variant is present in population databases (rs760567858, ExAC 0.02%). This sequence change replaces arginine with leucine at codon 489 of the ATP13A2 protein (p.Arg489Leu). The arginine residue is weakly conserved and there is a moderate physicochemical difference between arginine and leucine.

NM_022089.4(ATP13A2):c.1466G>T (p.Arg489Leu)

Gene: ATP13A2 (ATPase cation transporting 13A2; minus strand). Cytogenetic location: 1p36.13.
Variant type: single nucleotide variant.
Coding change: c.1466G>T on transcript NM_022089.4 (MANE Select); coding-DNA position 1466, G replaced by T.
Protein change: p.Arg489Leu; replaces arginine 489 with leucine.
Molecular consequence: missense variant.
Genome position (GRCh38, 1-based): chr1:16,996,052, C>A on the plus strand (G>T on the coding strand, the complement: ATP13A2 is on the minus strand). VCF-style: chr1-16996052-C-A. GRCh37 (hg19) VCF-style: chr1-17322547-C-A.
Other names: c.1451G>T, p.Arg484Leu (NM_001141973.3, NM_001141974.3); short protein forms R489L, R484L.
Identifiers: ClinVar variation 1042103 (VCV001042103.5), dbSNP rs760567858, ClinGen allele CA637199.